The following is an entry in ClinVar:

ClinVar aggregate classification (germline): Uncertain significance (1 of 4 stars; one submission).

Conditions:
Frontotemporal dementia and/or amyotrophic lateral sclerosis 4. Also called: FTDALS4. Identifiers: Orphanet 275872, MedGen C4225325, MONDO:0014641, OMIM 616439.

Allele frequency attached by ClinVar (database versions not stated): gnomAD exomes below 0.00001; TOPMed below 0.00001; gnomAD 0.00001.
gnomAD v4.1: 5 of 1,593,224 alleles (0.00031%); highest among the groups gnomAD compares: African/African-American, 0.0027%; no homozygotes.

Submission:

Labcorp Genetics (formerly Invitae), Labcorp
Classification: Uncertain significance for Frontotemporal dementia and/or amyotrophic lateral sclerosis 4. Last evaluated: 2022-12-06. Review status: criteria provided, single submitter. Criteria: Invitae Variant Classification Sherloc (09022015). Collection method: clinical testing. Allele origin: germline.
Comment: In summary, the available evidence is currently insufficient to determine the role of this variant in disease. Therefore, it has been classified as a Variant of Uncertain Significance. Advanced modeling of protein sequence and biophysical properties (such as structural, functional, and spatial information, amino acid conservation, physicochemical variation, residue mobility, and thermodynamic stability) performed at Invitae indicates that this missense variant is not expected to disrupt TBK1 protein function. ClinVar contains an entry for this variant (Variation ID: 1421516). This variant has not been reported in the literature in individuals affected with TBK1-related conditions. This variant is present in population databases (no rsID available, gnomAD 0.004%). This sequence change replaces arginine, which is basic and polar, with glutamine, which is neutral and polar, at codon 127 of the TBK1 protein (p.Arg127Gln).

NM_013254.4(TBK1):c.380G>A (p.Arg127Gln)

Gene: TBK1 (TANK binding kinase 1; plus strand). Cytogenetic location: 12q14.2.
Variant type: single nucleotide variant.
Coding change: c.380G>A on transcript NM_013254.4 (MANE Select); coding-DNA position 380, G replaced by A.
Protein change: p.Arg127Gln; replaces arginine 127 with glutamine.
Molecular consequence: missense variant.
Genome position (GRCh38, 1-based): chr12:64,466,922, G>A. VCF-style: chr12-64466922-G-A. GRCh37 (hg19) VCF-style: chr12-64860702-G-A.
Other names: short protein forms R127Q.
Identifiers: ClinVar variation 1421516 (VCV001421516.6), dbSNP rs1337698475, ClinGen allele CA385595837.
Genomic context (GRCh38, chr12:64,466,922, plus strand): 5'-TATCTACATTATGACTTCTTTTGTTTTATATTGTTGAAGTGGGTGGAATGAATCATCTAC[G>A]AGAGAATGGTATAGTGCACCGTGATATCAAGCCAGGAAATATCATGCGTGTTATAGGGGA-3'
Protein context (NP_037386.1, residues 117-137): RDVVGGMNHL[Arg127Gln]ENGIVHRDIK